The following is an entry in ClinVar:

NM_004260.4(RECQL4):c.2699A>T (p.His900Leu)

Gene: RECQL4 (RecQ like helicase 4; minus strand). Cytogenetic location: 8q24.3.
Variant type: single nucleotide variant.
Coding change: c.2699A>T on transcript NM_004260.4 (MANE Select); coding-DNA position 2699, A replaced by T.
Protein change: p.His900Leu; replaces histidine 900 with leucine.
Molecular consequence: missense variant. On other transcripts: non-coding transcript variant (3).
Genome position (GRCh38, 1-based): chr8:144,512,903, T>A on the plus strand (A>T on the coding strand, the complement: RECQL4 is on the minus strand). VCF-style: chr8-144512903-T-A. GRCh37 (hg19) VCF-style: chr8-145738286-T-A.
Other names: c.2405A>T, p.His802Leu (NM_001413017.1); c.2603A>T, p.His868Leu (NM_001413020.1); c.1628A>T, p.His543Leu (NM_001413021.1, NM_001413022.1, NM_001413023.1 and 5 more transcripts); c.2501A>T, p.His834Leu (NM_001413018.1); c.2699A>T, p.His900Leu (NM_001413019.1, NM_001413036.1); c.2570A>T, p.His857Leu (NM_001413025.1); c.1562A>T, p.His521Leu (NM_001413027.1, NM_001413030.1, NM_001413041.1 and 1 more transcripts); c.2348A>T, p.His783Leu (NM_001413029.1); and 6 more; short protein forms H499L, H521L, H543L, H890L, H411L, H477L, H802L, H868L.
Identifiers: ClinVar variation 2835659 (VCV002835659.3), dbSNP rs1827524156, ClinGen allele CA372675136.

ClinVar aggregate classification (germline): Uncertain significance (1 of 4 stars; one submission).

Conditions:
Baller-Gerold syndrome (BGS). Also called: CRANIOSYNOSTOSIS WITH RADIAL DEFECTS. Identifiers: Orphanet 1225, MedGen C0265308, MONDO:0009039, OMIM 218600.

Submission:

Labcorp Genetics (formerly Invitae), Labcorp
Classification: Uncertain significance for Baller-Gerold syndrome. Last evaluated: 2023-07-17. Review status: criteria provided, single submitter. Criteria: Invitae Variant Classification Sherloc (09022015). Collection method: clinical testing. Allele origin: germline.
Comment: This variant has not been reported in the literature in individuals affected with RECQL4-related conditions. This variant is not present in population databases (gnomAD no frequency). This sequence change replaces histidine, which is basic and polar, with leucine, which is neutral and non-polar, at codon 900 of the RECQL4 protein (p.His900Leu). Advanced modeling of protein sequence and biophysical properties (such as structural, functional, and spatial information, amino acid conservation, physicochemical variation, residue mobility, and thermodynamic stability) performed at Invitae indicates that this missense variant is expected to disrupt RECQL4 protein function. In summary, the available evidence is currently insufficient to determine the role of this variant in disease. Therefore, it has been classified as a Variant of Uncertain Significance.